The following is an entry in ClinVar:

NM_004995.4(MMP14):c.245C>G (p.Ala82Gly)

Gene: MMP14 (matrix metallopeptidase 14; plus strand). Cytogenetic location: 14q11.2.
Variant type: single nucleotide variant.
Coding change: c.245C>G on transcript NM_004995.4 (MANE Select); coding-DNA position 245, C replaced by G.
Protein change: p.Ala82Gly; replaces alanine 82 with glycine.
Molecular consequence: missense variant.
Genome position (GRCh38, 1-based): chr14:22,841,627, C>G. VCF-style: chr14-22841627-C-G. GRCh37 (hg19) VCF-style: chr14-23310836-C-G.
Other names: short protein forms A82G.
Identifiers: ClinVar variation 4695336 (VCV004695336.1).

ClinVar aggregate classification (germline): Uncertain significance (1 of 4 stars; one submission).

gnomAD v4.1: 12 of 1,613,844 alleles (0.00074%); highest among the groups gnomAD compares: Non-Finnish European, 0.001%; no homozygotes.

Submission:

Labcorp Genetics (formerly Invitae), Labcorp
Classification: Uncertain significance. Last evaluated: 2025-08-08. Review status: criteria provided, single submitter. Criteria: Invitae Variant Classification Sherloc (09022015). Collection method: clinical testing. Allele origin: germline.
Comment: This sequence change replaces alanine, which is neutral and non-polar, with glycine, which is neutral and non-polar, at codon 82 of the MMP14 protein (p.Ala82Gly). This variant is not present in population databases (gnomAD no frequency). This variant has not been reported in the literature in individuals affected with MMP14-related conditions. Invitae Evidence Modeling of protein sequence and biophysical properties (such as structural, functional, and spatial information, amino acid conservation, physicochemical variation, residue mobility, and thermodynamic stability) indicates that this missense variant is not expected to disrupt MMP14 protein function with a negative predictive value of 80%. In summary, the available evidence is currently insufficient to determine the role of this variant in disease. Therefore, it has been classified as a Variant of Uncertain Significance.